The following is an entry in ClinVar:

ClinVar aggregate classification (germline): Uncertain significance. Review status: criteria provided, multiple submitters, no conflicts (2 of 4 stars). 2 submissions from 2 submitters: Uncertain significance (2). Last evaluated 2024-03-28.

Conditions:
Neuromuscular disease caused by qualitative or quantitative defects of dysferlin. Also called: Dysferlinopathy; Qualitative or quantitative defects of dysferlin. Identifiers: Orphanet 207073, MedGen C2931687, MONDO:0016145.

gnomAD v4.1: 6 of 1,613,600 alleles (0.00037%); highest among the groups gnomAD compares: South Asian, 0.0066%; no homozygotes.

Submissions (2):

Revvity Omics, Revvity
Classification: Uncertain significance. Last evaluated: 2024-03-28. Review status: criteria provided, single submitter. Criteria: ACMG Guidelines, 2015. Collection method: clinical testing. Allele origin: germline.

Labcorp Genetics (formerly Invitae), Labcorp
Classification: Uncertain significance for Neuromuscular disease caused by qualitative or quantitative defects of dysferlin. Last evaluated: 2022-03-27. Review status: criteria provided, single submitter. Criteria: Invitae Variant Classification Sherloc (09022015). Collection method: clinical testing. Allele origin: germline.
Comment: This sequence change replaces isoleucine, which is neutral and non-polar, with methionine, which is neutral and non-polar, at codon 1458 of the DYSF protein (p.Ile1458Met). This variant is present in population databases (no rsID available, gnomAD 0.003%). This variant has not been reported in the literature in individuals affected with DYSF-related conditions. Advanced modeling of protein sequence and biophysical properties (such as structural, functional, and spatial information, amino acid conservation, physicochemical variation, residue mobility, and thermodynamic stability) performed at Invitae indicates that this missense variant is not expected to disrupt DYSF protein function. In summary, the available evidence is currently insufficient to determine the role of this variant in disease. Therefore, it has been classified as a Variant of Uncertain Significance.

NM_001130987.2(DYSF):c.4428C>G (p.Ile1476Met)

Gene: DYSF (dysferlin; plus strand). Cytogenetic location: 2p13.2.
Variant type: single nucleotide variant.
Coding change: c.4428C>G on transcript NM_001130987.2 (MANE Select); coding-DNA position 4428, C replaced by G.
Protein change: p.Ile1476Met; replaces isoleucine 1476 with methionine.
Molecular consequence: missense variant.
Genome position (GRCh38, 1-based): chr2:71,613,374, C>G. VCF-style: chr2-71613374-C-G. GRCh37 (hg19) VCF-style: chr2-71840504-C-G.
Other names: c.4377C>G, p.Ile1459Met (NM_001130455.2, NM_001130983.2); c.4332C>G, p.Ile1444Met (NM_001130976.2, NM_001130977.2); c.4374C>G, p.Ile1458Met (NM_001130978.2, NM_003494.4); c.4467C>G, p.Ile1489Met (NM_001130979.2); c.4425C>G, p.Ile1475Met (NM_001130980.2, NM_001130981.2); c.4470C>G, p.Ile1490Met (NM_001130982.2); c.4335C>G, p.Ile1445Met (NM_001130984.2, NM_001130986.2); c.4428C>G, p.Ile1476Met (NM_001130985.2); short protein forms I1444M, I1445M, I1476M, I1458M, I1475M, I1489M, I1490M, I1459M.
Identifiers: ClinVar variation 2095185 (VCV002095185.2), dbSNP rs145690047, ClinGen allele CA347229604.
Genomic context (GRCh38, chr2:71,613,374, plus strand): 5'-GATGGCTCCCTCCCCTGCAGACGATGTGAGCCTACTCAGTCCTGGGGAAGACGTGCTCAT[C>G]GACATTGATGACAAGGAGCCCCTCATCCCCATCCAGGTAGGATGGGCATCCTCCAGGGAG-3'
Protein context (NP_001124459.1, residues 1466-1486): SLLSPGEDVL[Ile1476Met]DIDDKEPLIP